The following is an entry in ClinVar:

NM_014555.4(TRPM5):c.942C>T (p.Thr314=)

Gene: TRPM5 (transient receptor potential cation channel subfamily M member 5; minus strand). Cytogenetic location: 11p15.5.
Variant type: single nucleotide variant.
Coding change: c.942C>T on transcript NM_014555.4 (MANE Select); coding-DNA position 942, C replaced by T.
Protein change: p.Thr314=; no amino-acid change (threonine 314 retained).
Molecular consequence: synonymous variant.
Genome position (GRCh38, 1-based): chr11:2,417,794, G>A on the plus strand (C>T on the coding strand, the complement: TRPM5 is on the minus strand). VCF-style: chr11-2417794-G-A. GRCh37 (hg19) VCF-style: chr11-2439024-G-A.
Identifiers: ClinVar variation 728327 (VCV000728327.28), dbSNP rs150411358, ClinGen allele CA5821697.

ClinVar aggregate classification (germline): Benign/Likely benign. Review status: criteria provided, multiple submitters, no conflicts (2 of 4 stars). 2 submissions from 2 submitters: Benign (1); Likely benign (1). Last evaluated 2022-12-01.

Allele frequency attached by ClinVar (database versions not stated): 1000 Genomes Project 30x 0.00078; 1000 Genomes Project 0.00100; TOPMed 0.00133; gnomAD exomes 0.00187 and 0.00222; gnomAD 0.00191 and 0.00199; ESP Exome Variant Server 0.00193; ExAC 0.00347.
gnomAD v4.1: 3,313 of 1,530,804 alleles (0.22%); highest among the groups gnomAD compares: Non-Finnish European, 0.25%; 5 homozygotes.

Submissions (2):

CeGaT Center for Human Genetics Tuebingen
Classification: Likely benign. Last evaluated: 2022-12-01. Review status: criteria provided, single submitter. Criteria: CeGaT Center For Human Genetics Tuebingen Variant Classification Criteria Version 2. Collection method: clinical testing. Allele origin: germline. Affected: yes. Observed: 1 variant allele.
Comment: TRPM5: BS2

Labcorp Genetics (formerly Invitae), Labcorp
Classification: Benign. Last evaluated: 2018-03-02. Review status: criteria provided, single submitter. Criteria: Invitae Variant Classification Sherloc (09022015). Collection method: clinical testing. Allele origin: germline.